The following is an entry in ClinVar:

NM_001242896.3(DEPDC5):c.2105-1G>A

Gene: DEPDC5 (DEP domain containing 5, GATOR1 subcomplex subunit; plus strand). Cytogenetic location: 22q12.3.
Variant type: single nucleotide variant.
Coding change: c.2105-1G>A on transcript NM_001242896.3 (MANE Select); the canonical splice acceptor site of the intron before coding-DNA position 2105, G replaced by A.
Molecular consequence: splice acceptor variant.
Genome position (GRCh38, 1-based): chr22:31,833,914, G>A. VCF-style: chr22-31833914-G-A. GRCh37 (hg19) VCF-style: chr22-32229900-G-A.
Other names: c.2105-1G>A (NM_001364318.2, NM_001136029.4, NM_014662.6 and 3 more transcripts); c.1871-1G>A (NM_001363854.2, NM_001242897.2, NM_001364319.2); c.2021-1G>A (NM_001369902.1, NM_001369901.1).
Identifiers: ClinVar variation 1327137 (VCV001327137.4), dbSNP rs781125997, ClinGen allele CA10196597.
Genomic context (GRCh38, chr22:31,833,914, plus strand): 5'-TGGTCAGAACTCTTTTGCAGAGTGAGCCTTCTTAAGACAAGCTGTTTTTATCTTTCCATA[G>A]GTATGAATCCTAGGACCCAGAATAAGGATTCTCTAGAGGACAGTGTTTCTACCTCTCCAG-3'

ClinVar aggregate classification (germline): Likely pathogenic. Review status: criteria provided, multiple submitters, no conflicts (2 of 4 stars). 3 submissions from 3 submitters: Likely pathogenic (3). Last evaluated 2026-01-24.

Conditions:
Familial focal epilepsy with variable foci (FPEVF). Identifiers: Orphanet 98820, MedGen C1858477, MONDO:0020310.
SUDDEN INFANT DEATH SYNDROME (SIDS). Also called: Sudden Infant Death. Identifiers: MedGen C0038644, MeSH D013398, OMIM 272120.

Allele frequency attached by ClinVar (database versions not stated): ExAC 0.00001.
gnomAD v4.1: 2 of 1,572,050 alleles (0.00013%); highest among the groups gnomAD compares: Admixed American, 0.0018%; no homozygotes.

Submissions (3):

GeneDx
Classification: Likely pathogenic. Last evaluated: 2026-01-24. Review status: criteria provided, single submitter. Criteria: GeneDx Variant Classification Process June 2021. Collection method: clinical testing. Allele origin: germline.
Comment: Identified in a patient belonging to a cohort of individuals with sudden unexpected death in pediatrics in published literature (PMID: 35027292); Canonical splice site variant predicted to result in an in-frame loss of the adjacent exon in a gene for which loss of function is a known mechanism of disease; Not observed at significant frequency in large population cohorts (gnomAD); This variant is associated with the following publications: (PMID: 35027292)

Labcorp Genetics (formerly Invitae), Labcorp
Classification: Likely pathogenic for Familial focal epilepsy with variable foci. Last evaluated: 2025-12-16. Review status: criteria provided, single submitter. Criteria: Invitae Variant Classification Sherloc (09022015). Collection method: clinical testing. Allele origin: germline.
Comment: This sequence change affects an acceptor splice site in intron 24 of the DEPDC5 gene. It is expected to disrupt RNA splicing. Variants that disrupt the donor or acceptor splice site typically lead to a loss of protein function (PMID: 16199547), and loss-of-function variants in DEPDC5 are known to be pathogenic (PMID: 23542697, 23542701). This variant is present in population databases (rs781125997, gnomAD 0.003%). This variant has not been reported in the literature in individuals affected with DEPDC5-related conditions. ClinVar contains an entry for this variant (Variation ID: 1327137). Algorithms developed to predict the effect of sequence changes on RNA splicing suggest that this variant may disrupt the consensus splice site. In summary, the currently available evidence indicates that the variant is pathogenic, but additional data are needed to prove that conclusively. Therefore, this variant has been classified as Likely Pathogenic.

Robert's Program, Boston Children's Hospital
Classification: Likely pathogenic for SUDDEN INFANT DEATH SYNDROME. Last evaluated: 2021-10-01. Review status: criteria provided, single submitter. Criteria: ACMG Guidelines, 2015. Collection method: research. Allele origin: germline. Affected: yes.
Comment: We classify this variant as pathogenic using the following ACMG/AMP criteria: PVS1, PM2

Literature cited by the submitters: PubMed 16199547 (cited by Labcorp Genetics (formerly Invitae), Labcorp); PubMed 23542697 (cited by Labcorp Genetics (formerly Invitae), Labcorp); PubMed 23542701 (cited by Labcorp Genetics (formerly Invitae), Labcorp).